The following is an entry in ClinVar:

ClinVar aggregate classification (germline): Uncertain significance (1 of 4 stars; one submission).

Conditions:
Cyclical neutropenia. Also called: Cyclic hematopoiesis; Cyclic Neutropenia. Identifiers: Orphanet 2686, MedGen C0221023, MONDO:0008090, OMIM 162800, HP:0040289. Disease mechanism: loss of function.
Neutropenia, severe congenital, 1, autosomal dominant. Identifiers: MedGen C1859966, MONDO:0042490, OMIM 202700.

Allele frequency attached by ClinVar (database versions not stated): gnomAD exomes below 0.00001.

Submission:

Labcorp Genetics (formerly Invitae), Labcorp
Classification: Uncertain significance for Neutropenia, severe congenital, 1, autosomal dominant; Cyclical neutropenia. Last evaluated: 2022-03-13. Review status: criteria provided, single submitter. Criteria: Invitae Variant Classification Sherloc (09022015). Collection method: clinical testing. Allele origin: germline.
Comment: In summary, the available evidence is currently insufficient to determine the role of this variant in disease. Therefore, it has been classified as a Variant of Uncertain Significance. Algorithms developed to predict the effect of sequence changes on RNA splicing suggest that this variant may create or strengthen a splice site. This variant has not been reported in the literature in individuals affected with ELANE-related conditions. This variant is not present in population databases (gnomAD no frequency). This sequence change affects codon 177 of the ELANE mRNA. It is a 'silent' change, meaning that it does not change the encoded amino acid sequence of the ELANE protein.

NM_001972.4(ELANE):c.531G>A (p.Val177=)

Gene: ELANE (elastase, neutrophil expressed; plus strand). Cytogenetic location: 19p13.3.
Variant type: single nucleotide variant.
Coding change: c.531G>A on transcript NM_001972.4 (MANE Select); coding-DNA position 531, G replaced by A.
Protein change: p.Val177=; no amino-acid change (valine 177 retained).
Molecular consequence: synonymous variant.
Genome position (GRCh38, 1-based): chr19:855,728, G>A. VCF-style: chr19-855728-G-A. GRCh37 (hg19) VCF-style: chr19-855728-G-A.
Identifiers: ClinVar variation 1934239 (VCV001934239.5), dbSNP rs2512168530, ClinGen allele CA504881972.